The following is an entry in ClinVar:

NM_007332.3(TRPA1):c.901A>G (p.Ile301Val)

Gene: TRPA1 (transient receptor potential cation channel subfamily A member 1; minus strand). Cytogenetic location: 8q21.11.
Variant type: single nucleotide variant.
Coding change: c.901A>G on transcript NM_007332.3 (MANE Select); coding-DNA position 901, A replaced by G.
Protein change: p.Ile301Val; replaces isoleucine 301 with valine.
Molecular consequence: missense variant.
Genome position (GRCh38, 1-based): chr8:72,061,668, T>C on the plus strand (A>G on the coding strand, the complement: TRPA1 is on the minus strand). VCF-style: chr8-72061668-T-C. GRCh37 (hg19) VCF-style: chr8-72973903-T-C.
Other names: short protein forms I301V.
Identifiers: ClinVar variation 4057248 (VCV004057248.1).

ClinVar aggregate classification (germline): Uncertain significance (0 of 4 stars; one submission).

Conditions:
Familial episodic pain syndrome with predominantly upper body involvement. Also called: Familial episodic pain syndrome 1. Identifiers: Orphanet 391384, Orphanet 391389, MedGen C3808667, MONDO:0014021, OMIM 615040.

gnomAD v4.1: 4 of 1,614,054 alleles (0.00025%); highest among the groups gnomAD compares: East Asian, 0.0022%; no homozygotes.

Submission:

Center for Human Genetics and Genomic Medicine, Uniklinik Rwth Aachen
Classification: Uncertain significance for Familial episodic pain syndrome with predominantly upper body involvement. Last evaluated: 2025-07-09. Review status: no assertion criteria provided. Collection method: clinical testing. Allele origin: germline. Affected: yes. Observed: 1 heterozygote.
Comment: Low frequency in population databases. Parents were not available for segregation analysis,